The following is an entry in ClinVar:

ClinVar aggregate classification (germline): Uncertain significance. Review status: criteria provided, multiple submitters, no conflicts (2 of 4 stars). 7 submissions from 7 submitters: Uncertain significance (6). 1 of the submissions does not count toward it. Last evaluated 2026-01-27.

Conditions:
POLE-related disorder. Also called: POLE-related disorders; POLE-related condition.
Familial colorectal cancer. Identifiers: MedGen CN280943, MONDO:0023113. Disease mechanism: loss of function.
Hereditary cancer-predisposing syndrome. Also called: Hereditary Cancer Syndrome; Hereditary neoplastic syndrome; Neoplastic Syndromes, Hereditary; Tumor predisposition. Identifiers: Orphanet 140162, MedGen C0027672, MeSH D009386, MONDO:0015356.
Facial dysmorphism-immunodeficiency-livedo-short stature syndrome. Also called: Facial dysmorphism, immunodeficiency, livedo, and short stature; FILS syndrome. Identifiers: Orphanet 352712, MedGen C3554576, MONDO:0014058, OMIM 615139.
Colorectal cancer, susceptibility to, 12 (CRCS12). Also called: COLORECTAL CANCER, SUSCEPTIBILITY TO, ON CHROMOSOME 12q24. Identifiers: Orphanet 220460, MedGen C3554460, MONDO:0014038, OMIM 615083.
Intrauterine growth retardation, metaphyseal dysplasia, adrenal hypoplasia congenita, genital anomalies, and immunodeficiency. Also called: IMAGEI SYNDROME. Identifiers: MedGen C5193036, MONDO:0032684, OMIM 618336.

Allele frequency attached by ClinVar (database versions not stated): gnomAD 0.00001; TOPMed 0.00002; ExAC 0.00004; gnomAD exomes 0.00004.
gnomAD v4.1: 66 of 1,613,480 alleles (0.0041%); highest among the groups gnomAD compares: Middle Eastern, 0.016%; no homozygotes.

Submissions (7):

Labcorp Genetics (formerly Invitae), Labcorp
Classification: Uncertain significance. Last evaluated: 2026-01-27. Review status: criteria provided, single submitter. Criteria: Invitae Variant Classification Sherloc (09022015). Collection method: clinical testing. Allele origin: germline.
Comment: This sequence change replaces threonine, which is neutral and polar, with methionine, which is neutral and non-polar, at codon 1771 of the POLE protein (p.Thr1771Met). This variant is present in population databases (rs777695766, gnomAD 0.006%). This variant has not been reported in the literature in individuals affected with POLE-related conditions. ClinVar contains an entry for this variant (Variation ID: 405600). An algorithm developed to predict the effect of missense changes on protein structure and function (PolyPhen-2) suggests that this variant is likely to be tolerated. In summary, the available evidence is currently insufficient to determine the role of this variant in disease. Therefore, it has been classified as a Variant of Uncertain Significance.

Ambry Genetics
Classification: Uncertain significance for Hereditary cancer-predisposing syndrome. Last evaluated: 2025-11-23. Review status: criteria provided, single submitter. Criteria: Ambry Variant Classification Scheme 2023. Collection method: clinical testing. Allele origin: germline.

GeneDx
Classification: Uncertain significance. Last evaluated: 2025-02-28. Review status: criteria provided, single submitter. Criteria: GeneDx Variant Classification Process June 2021. Collection method: clinical testing. Allele origin: germline. Affected: yes.
Comment: Observed in an individual with ovarian cancer (PMID: 32546565); In silico analysis supports that this missense variant has a deleterious effect on protein structure/function; This variant is associated with the following publications: (PMID: 31034466, 32546565)

Department of Pathology and Laboratory Medicine, Sinai Health System
Classification: Uncertain significance for Colorectal cancer, susceptibility to, 12; Facial dysmorphism-immunodeficiency-livedo-short stature syndrome; Intrauterine growth retardation, metaphyseal dysplasia, adrenal hypoplasia congenita, genital anomalies, and immunodeficiency. Last evaluated: 2023-02-15. Review status: criteria provided, single submitter. Criteria: ACMG Guidelines, 2015. Collection method: clinical testing. Allele origin: germline. Affected: yes.

Quest Diagnostics Nichols Institute San Juan Capistrano
Classification: Uncertain significance. Last evaluated: 2019-10-31. Review status: criteria provided, single submitter. Criteria: Quest Diagnostics criteria. Collection method: clinical testing. Allele origin: unknown.

Mendelics
Classification: Uncertain significance for Familial colorectal cancer. Last evaluated: 2018-07-02. Review status: criteria provided, single submitter. Criteria: Mendelics Assertion Criteria 2017. Collection method: clinical testing. Allele origin: unknown.

PreventionGenetics, part of Exact Sciences
Classification: Uncertain significance for POLE-related condition. Last evaluated: 2024-08-14. Review status: no assertion criteria provided. Collection method: clinical testing. Allele origin: germline. Not counted in ClinVar's aggregate classification.
Comment: The POLE c.5312C>T variant is predicted to result in the amino acid substitution p.Thr1771Met. It has been reported in a case and 3 controls from an ovarian cancer cohort study (Table S6, Song et al. 2021. PubMed ID: 32546565). This variant is reported in 0.0062% of alleles in individuals of European (Non-Finnish) descent in gnomAD. It is interpreted as uncertain significance in ClinVar. At this time, the clinical significance of this variant is uncertain due to the absence of conclusive functional and genetic evidence.

Literature cited by the submitters: PubMed 29056344 (cited by Quest Diagnostics Nichols Institute San Juan Capistrano).

NM_006231.4(POLE):c.5312C>T (p.Thr1771Met)

Gene: POLE (DNA polymerase epsilon, catalytic subunit; minus strand). Cytogenetic location: 12q24.33.
Variant type: single nucleotide variant.
Coding change: c.5312C>T on transcript NM_006231.4 (MANE Select); coding-DNA position 5312, C replaced by T.
Protein change: p.Thr1771Met; replaces threonine 1771 with methionine.
Molecular consequence: missense variant.
Genome position (GRCh38, 1-based): chr12:132,641,713, G>A on the plus strand (C>T on the coding strand, the complement: POLE is on the minus strand). VCF-style: chr12-132641713-G-A. GRCh37 (hg19) VCF-style: chr12-133218299-G-A.
Other names: short protein forms T1771M.
Identifiers: ClinVar variation 405600 (VCV000405600.20), dbSNP rs777695766, ClinGen allele CA6892571.